The following is an entry in ClinVar:

ClinVar aggregate classification (germline): Likely benign (1 of 4 stars; one submission).

Submission:

CeGaT Center for Human Genetics Tuebingen
Classification: Likely benign. Last evaluated: 2026-05-01. Review status: criteria provided, single submitter. Criteria: CeGaT Center For Human Genetics Tuebingen Variant Classification Criteria Version 2. Collection method: clinical testing. Allele origin: germline. Affected: yes. Observed: 5 variant alleles.
Comment: BRAF: BS1

NM_004333.6(BRAF):c.981-1315dup

Gene: BRAF (B-Raf proto-oncogene, serine/threonine kinase; minus strand). Cytogenetic location: 7q34.
Variant type: Duplication.
Coding change: c.981-1315dup on transcript NM_004333.6 (MANE Select); 1315 bases into the intron before coding-DNA position 981, one base duplicated (T; older notation c.981-1315dupT).
Molecular consequence: intron variant.
Genome position (GRCh38, 1-based): chr7:140,795,782, A duplicated on the plus strand (T on the coding strand, the reverse complement: BRAF is on the minus strand); the first of 9 consecutive A bases (chr7:140,795,782-140,795,790); duplicating any one gives the same sequence. VCF-style (leftmost placement, unchanged base first): chr7-140795781-T-TA. GRCh37 (hg19) VCF-style: chr7-140495581-T-TA.
Other names: c.981-1315dup (NM_001378474.1, NM_001378471.1, NM_001378468.1 and 4 more transcripts); c.879-1315dup (NM_001378470.1); c.717-1315dup (NM_001378475.1); c.990-1315dup (NM_001378467.1); c.825-1315dup (NM_001378472.1, NM_001378473.1).
Identifiers: ClinVar variation 2658076 (VCV002658076.24), dbSNP rs570694727, ClinGen allele CA168101899.